The following is an entry in ClinVar:

ClinVar aggregate classification (germline): Likely benign. Review status: criteria provided, multiple submitters, no conflicts (2 of 4 stars). 2 submissions from 2 submitters: Likely benign (2). Last evaluated 2019-07-11.

Conditions:
Cardiovascular phenotype. Identifiers: MedGen CN230736.

gnomAD v4.1: 1 of 1,614,228 alleles (0.000062%); no homozygotes.

Submissions (2):

Ambry Genetics
Classification: Likely benign for Cardiovascular phenotype. Last evaluated: 2019-07-11. Review status: criteria provided, single submitter. Criteria: Ambry Variant Classification Scheme 2023. Collection method: clinical testing. Allele origin: germline.

GeneDx
Classification: Likely benign. Last evaluated: 2017-02-14. Review status: criteria provided, single submitter. Criteria: GeneDx Variant Classification (06012015). Collection method: clinical testing. Allele origin: germline. Affected: yes.
Comment: This variant is considered likely benign or benign based on one or more of the following criteria: it is a conservative change, it occurs at a poorly conserved position in the protein, it is predicted to be benign by multiple in silico algorithms, and/or has population frequency not consistent with disease.

NM_170707.4(LMNA):c.657G>A (p.Lys219=)

Gene: LMNA (lamin A/C; plus strand). Cytogenetic location: 1q22.
Variant type: single nucleotide variant.
Coding change: c.657G>A on transcript NM_170707.4 (MANE Select); coding-DNA position 657, G replaced by A.
Protein change: p.Lys219=; no amino-acid change (lysine 219 retained).
Molecular consequence: synonymous variant.
Genome position (GRCh38, 1-based): chr1:156,134,822, G>A. VCF-style: chr1-156134822-G-A. GRCh37 (hg19) VCF-style: chr1-156104613-G-A.
Other names: c.321G>A, p.Lys107= (NM_001257374.3); c.414G>A, p.Lys138= (NM_001282624.2); c.657G>A, p.Lys219= (NM_001282625.2, NM_001282626.2, NM_005572.4 and 1 more transcripts).
Identifiers: ClinVar variation 507462 (VCV000507462.3), dbSNP rs1553265267, ClinGen allele CA421257574.